The following is an entry in ClinVar:

NM_182493.3(MYLK3):c.103A>G (p.Lys35Glu)

Gene: MYLK3 (myosin light chain kinase 3; minus strand). Cytogenetic location: 16q11.2.
Variant type: single nucleotide variant.
Coding change: c.103A>G on transcript NM_182493.3 (MANE Select); coding-DNA position 103, A replaced by G.
Protein change: p.Lys35Glu; replaces lysine 35 with glutamic acid.
Molecular consequence: missense variant. On other transcripts: intron variant (1).
Genome position (GRCh38, 1-based): chr16:46,748,091, T>C on the plus strand (A>G on the coding strand, the complement: MYLK3 is on the minus strand). VCF-style: chr16-46748091-T-C. GRCh37 (hg19) VCF-style: chr16-46782003-T-C.
Other names: p.Lys35Glu; c.-113-7944A>G (NM_001308301.1); c.103A>G (NM_182493.2); short protein forms K35E.
Identifiers: ClinVar variation 1434491 (VCV001434491.8), dbSNP rs201903569, ClinGen allele CA8038324.

ClinVar aggregate classification (germline): Uncertain significance. Review status: criteria provided, multiple submitters, no conflicts (2 of 4 stars). 3 submissions from 3 submitters: Uncertain significance (3). Last evaluated 2026-02-01.

Allele frequency attached by ClinVar (database versions not stated): ExAC 0.00012; gnomAD exomes 0.00018 and 0.00046; gnomAD 0.00024 and 0.00027; TOPMed 0.00025.
gnomAD v4.1: 684 of 1,614,112 alleles (0.042%); highest among the groups gnomAD compares: Non-Finnish European, 0.057%; no homozygotes.

Submissions (3):

Labcorp Genetics (formerly Invitae), Labcorp
Classification: Uncertain significance. Last evaluated: 2026-02-01. Review status: criteria provided, single submitter. Criteria: Invitae Variant Classification Sherloc (09022015). Collection method: clinical testing. Allele origin: germline.
Comment: This sequence change replaces lysine, which is basic and polar, with glutamic acid, which is acidic and polar, at codon 35 of the MYLK3 protein (p.Lys35Glu). This variant is present in population databases (rs201903569, gnomAD 0.04%), and has an allele count higher than expected for a pathogenic variant. This variant has not been reported in the literature in individuals affected with MYLK3-related conditions. ClinVar contains an entry for this variant (Variation ID: 1434491). An algorithm developed to predict the effect of missense changes on protein structure and function (PolyPhen-2) suggests that this variant is likely to be disruptive. In summary, the available evidence is currently insufficient to determine the role of this variant in disease. Therefore, it has been classified as a Variant of Uncertain Significance.

Mayo Clinic Laboratories, Mayo Clinic
Classification: Uncertain significance. Last evaluated: 2025-06-20. Review status: criteria provided, single submitter. Criteria: ACMG Guidelines, 2015. Collection method: clinical testing. Allele origin: germline. Observed: 1 variant allele.

Ambry Genetics
Classification: Uncertain significance. Last evaluated: 2021-10-05. Review status: criteria provided, single submitter. Criteria: Ambry Variant Classification Scheme 2023. Collection method: clinical testing. Allele origin: germline.